The following is an entry in ClinVar:

NM_001384140.1(PCDH15):c.1427C>T (p.Thr476Ile)

Gene: PCDH15 (protocadherin related 15; minus strand). Cytogenetic location: 10q21.1.
Variant type: single nucleotide variant.
Coding change: c.1427C>T on transcript NM_001384140.1 (MANE Select); coding-DNA position 1427, C replaced by T.
Protein change: p.Thr476Ile; replaces threonine 476 with isoleucine.
Molecular consequence: missense variant.
Genome position (GRCh38, 1-based): chr10:54,185,147, G>A on the plus strand (C>T on the coding strand, the complement: PCDH15 is on the minus strand). VCF-style: chr10-54185147-G-A. GRCh37 (hg19) VCF-style: chr10-55944907-G-A.
Other names: c.1442C>T, p.Thr481Ile (NM_001142763.2, NM_001142771.2); c.1427C>T, p.Thr476Ile (NM_001142764.2, NM_001142765.2, NM_001142766.2 and 6 more transcripts); c.1316C>T, p.Thr439Ile (NM_001142767.2); c.1361C>T, p.Thr454Ile (NM_001142768.2, NM_001142773.2, NM_001354404.2); c.1463C>T, p.Thr488Ile (NM_001142769.4); c.1448C>T, p.Thr483Ile (NM_001354411.2); short protein forms T476I, T454I, T483I, T439I, T488I, T481I.
Identifiers: ClinVar variation 423939 (VCV000423939.8), dbSNP rs967946862, ClinGen allele CA16618960.
Genomic context (GRCh38, chr10:54,185,147, plus strand): 5'-ACATACATTCATACATACATATGTATATTTACACAAAAGCTCTTTACCGAAAAGGTGTAA[G>A]TTTGCTGTTCTTCCCTGTCCACTGGTTGAAGTAAGGTGAGGTAGCGAGTAATACCAGTCT-3'
Protein context (NP_001371069.1, residues 466-486): LQPVDREEQQ[Thr476Ile]YTFSITAFDG

ClinVar aggregate classification (germline): Uncertain significance. Review status: criteria provided, multiple submitters, no conflicts (2 of 4 stars). 4 submissions from 4 submitters: Uncertain significance (3). 1 of the submissions does not count toward it. Last evaluated 2025-12-15.

Conditions:
Inborn genetic diseases. Identifiers: MedGen C0950123, MeSH D030342.
Usher syndrome type 1F (USH1F). Also called: USHER SYNDROME, TYPE IF. Identifiers: Orphanet 231169, Orphanet 886, MedGen C1865885, MONDO:0011186, OMIM 602083.

Allele frequency attached by ClinVar (database versions not stated): gnomAD exomes 0.00001 and 0.00002; TOPMed 0.00001; gnomAD 0.00003.
gnomAD v4.1: 8 of 1,613,544 alleles (0.0005%); highest among the groups gnomAD compares: Admixed American, 0.013%; no homozygotes.

Submissions (4):

Ambry Genetics
Classification: Uncertain significance for Inborn genetic diseases. Last evaluated: 2025-12-15. Review status: criteria provided, single submitter. Criteria: Ambry Variant Classification Scheme 2023. Collection method: clinical testing. Allele origin: germline.

GeneDx
Classification: Uncertain significance. Last evaluated: 2024-08-19. Review status: criteria provided, single submitter. Criteria: GeneDx Variant Classification Process June 2021. Collection method: clinical testing. Allele origin: germline. Affected: yes.
Comment: In silico analysis indicates that this missense variant does not alter protein structure/function; Has not been previously published as pathogenic or benign to our knowledge

Labcorp Genetics (formerly Invitae), Labcorp
Classification: Uncertain significance. Last evaluated: 2022-06-27. Review status: criteria provided, single submitter. Criteria: Invitae Variant Classification Sherloc (09022015). Collection method: clinical testing. Allele origin: germline.
Comment: This sequence change replaces threonine, which is neutral and polar, with isoleucine, which is neutral and non-polar, at codon 476 of the PCDH15 protein (p.Thr476Ile). This variant is present in population databases (no rsID available, gnomAD 0.02%). This variant has not been reported in the literature in individuals affected with PCDH15-related conditions. ClinVar contains an entry for this variant (Variation ID: 423939). Algorithms developed to predict the effect of missense changes on protein structure and function (SIFT, PolyPhen-2, Align-GVGD) all suggest that this variant is likely to be tolerated. In summary, the available evidence is currently insufficient to determine the role of this variant in disease. Therefore, it has been classified as a Variant of Uncertain Significance.

Natera, Inc.
Classification: Uncertain significance for Usher syndrome type 1F. Last evaluated: 2019-11-11. Review status: no assertion criteria provided. Collection method: clinical testing. Allele origin: germline. Not counted in ClinVar's aggregate classification.